The following is an entry in ClinVar:

ClinVar aggregate classification (germline): Uncertain significance (1 of 4 stars; one submission).

Conditions:
Inborn genetic diseases. Identifiers: MedGen C0950123, MeSH D030342.

Submission:

Ambry Genetics
Classification: Uncertain significance for Inborn genetic diseases. Last evaluated: 2026-05-26. Review status: criteria provided, single submitter. Criteria: Ambry Variant Classification Scheme 2023. Collection method: clinical testing. Allele origin: germline.
Comment: The p.A202G variant (also known as c.605C>G), located in coding exon 1 of the CEBPA gene, results from a C to G substitution at nucleotide position 605. The alanine at codon 202 is replaced by glycine, an amino acid with similar properties. This amino acid position is conserved. In addition, this alteration is predicted to be tolerated by in silico analysis. Based on the available evidence, the clinical significance of this variant remains unclear.

NM_004364.5(CEBPA):c.605C>G (p.Ala202Gly)

Gene: CEBPA (CCAAT enhancer binding protein alpha; minus strand). Cytogenetic location: 19q13.11.
Variant type: single nucleotide variant.
Coding change: c.605C>G on transcript NM_004364.5 (MANE Select); coding-DNA position 605, C replaced by G.
Protein change: p.Ala202Gly; replaces alanine 202 with glycine.
Molecular consequence: missense variant.
Genome position (GRCh38, 1-based): chr19:33,301,810, G>C on the plus strand (C>G on the coding strand, the complement: CEBPA is on the minus strand). VCF-style: chr19-33301810-G-C. GRCh37 (hg19) VCF-style: chr19-33792716-G-C.
Other names: c.248C>G, p.Ala83Gly (NM_001285829.2); c.710C>G, p.Ala237Gly (NM_001287424.2); c.563C>G, p.Ala188Gly (NM_001287435.2); short protein forms A188G, A202G, A237G, A83G.
Identifiers: ClinVar variation 4868698 (VCV004868698.1).